The following is an entry in ClinVar:

NM_000463.3(UGT1A1):c.1175C>T (p.Pro392Leu)

Genes: UGT1A1 (UDP glucuronosyltransferase family 1 member A1; plus strand), UGT1A10 (UDP glucuronosyltransferase family 1 member A10; plus strand), UGT1A6 (UDP glucuronosyltransferase family 1 member A6; plus strand), UGT1A7 (UDP glucuronosyltransferase family 1 member A7; plus strand), UGT1A8 (UDP glucuronosyltransferase family 1 member A8; plus strand) and 5 more. Cytogenetic location: 2q37.1.
Variant type: single nucleotide variant.
Coding change: c.1175C>T on transcript NM_000463.3 (MANE Select); coding-DNA position 1175, C replaced by T.
Protein change: p.Pro392Leu; replaces proline 392 with leucine.
Molecular consequence: missense variant.
Genome position (GRCh38, 1-based): chr2:233,768,310, C>T. VCF-style: chr2-233768310-C-T. GRCh37 (hg19) VCF-style: chr2-234676956-C-T.
Other names: c.1178C>T, p.Pro393Leu (NM_019078.2, NM_007120.3, NM_019093.4); c.1166C>T, p.Pro389Leu (NM_021027.3, NM_019075.4, NM_019076.5 and 1 more transcripts); c.1172C>T, p.Pro391Leu (NM_001072.4); c.371C>T, p.Pro124Leu (NM_205862.3); short protein forms P392L, P391L, P124L, P389L, P393L.
Identifiers: ClinVar variation 285286 (VCV000285286.10), dbSNP rs886043066, ClinGen allele CA10605066.

ClinVar aggregate classification (germline): Conflicting classifications of pathogenicity. Review status: criteria provided, conflicting classifications (1 of 4 stars). 5 submissions from 5 submitters: Likely pathogenic (1); Uncertain significance (4). Last evaluated 2025-01-27.

Conditions:
UGT1A9-related disorder. Also called: UGT1A9-related condition.

Allele frequency attached by ClinVar (database versions not stated): gnomAD 0.00002 and 0.00003; TOPMed 0.00002.
gnomAD v4.1: 74 of 1,613,942 alleles (0.0046%); highest among the groups gnomAD compares: Non-Finnish European, 0.0062%; no homozygotes.

Submissions (5):

PreventionGenetics, part of Exact Sciences
Classification: Uncertain significance for UGT1A9-related condition. Last evaluated: 2025-01-27. Review status: criteria provided, single submitter. Criteria: ACMG Guidelines, 2015. Collection method: clinical testing. Allele origin: germline.
Comment: The UGT1A9 c.1166C>T variant is predicted to result in the amino acid substitution p.Pro389Leu. This variant has been reported in the compound heterozygous state in two individuals with Crigler-Najjar syndrome 2 (described as C1175T in Passuello et al 2009. PubMed ID: 19752526; Fata CR et al 2017. PubMed ID: 28590786). This variant has not been reported in a large population database (gnomAD), indicating this variant is rare. Although we suspect that this variant may be pathogenic, at this time, the clinical significance of this variant is uncertain due to the absence of conclusive functional and genetic evidence.

Women's Health and Genetics/Laboratory Corporation of America, LabCorp
Classification: Uncertain significance. Last evaluated: 2024-07-30. Review status: criteria provided, single submitter. Criteria: LabCorp Variant Classification Summary - May 2015. Collection method: clinical testing. Allele origin: germline.
Comment: Variant summary: UGT1A1 c.1175C>T (p.Pro392Leu) results in a non-conservative amino acid change in the encoded protein sequence. Five of five in-silico tools predict a damaging effect of the variant on protein function. The variant was absent in 249060 control chromosomes. The available data on variant occurrences in the general population are insufficient to allow any conclusion about variant significance. c.1175C>T has been reported in the literature in the compound heterozygous state in individuals affected with Crigler-Najjar syndrome (e.g. Passuello_2009, Fata_2017). These data do not allow any conclusion about variant significance. To our knowledge, no experimental evidence demonstrating an impact on protein function has been reported. The following publications have been ascertained in the context of this evaluation (PMID: 28590786, 19752526). ClinVar contains an entry for this variant (Variation ID: 285286). Based on the evidence outlined above, the variant was classified as uncertain significance.

Labcorp Genetics (formerly Invitae), Labcorp
Classification: Uncertain significance. Last evaluated: 2024-02-24. Review status: criteria provided, single submitter. Criteria: Invitae Variant Classification Sherloc (09022015). Collection method: clinical testing. Allele origin: germline.
Comment: This sequence change replaces proline, which is neutral and non-polar, with leucine, which is neutral and non-polar, at codon 392 of the UGT1A1 protein (p.Pro392Leu). This variant is not present in population databases (gnomAD no frequency). This missense change has been observed in individuals with hyperbilirubinemia (PMID: 19752526, 28590786). ClinVar contains an entry for this variant (Variation ID: 285286). Advanced modeling of protein sequence and biophysical properties (such as structural, functional, and spatial information, amino acid conservation, physicochemical variation, residue mobility, and thermodynamic stability) performed at Invitae indicates that this missense variant is expected to disrupt UGT1A1 protein function with a positive predictive value of 80%. In summary, the available evidence is currently insufficient to determine the role of this variant in disease. Therefore, it has been classified as a Variant of Uncertain Significance.

ARUP Laboratories, Molecular Genetics and Genomics, ARUP Laboratories
Classification: Likely pathogenic. Last evaluated: 2023-03-17. Review status: criteria provided, single submitter. Criteria: ARUP Molecular Germline Variant Investigation Process 2024. Collection method: clinical testing. Allele origin: germline.
Comment: The UGT1A1 c.1175C>T; p.Pro392Leu variant (rs886043066) is reported in the literature in two individuals affected with Crigler-Najjar syndrome type 2 (Fata 2017, Passuello 2009). One of these affected individuals also carried a likely pathogenic variant in trans, and was also heterozygous for the UGT1A1 *28 (TA)7 promoter polymorphism (Passuello 2009); the other affected individual carried a pathogenic variant in trans, but the promoter genotype was not specified (Fata 2017). This variant is also reported in ClinVar (Variation ID: 285286). This variant is absent from the Genome Aggregation Database, indicating it is not a common polymorphism. Computational analyses predict that this variant is deleterious (REVEL: 0.91). Based on the available information, this variant is considered to be likely pathogenic. REFERENCES Fata CR et al. Liver Fibrosis Associated With Crigler-Najjar Syndrome in a Compound Heterozygote: A Case Report. Pediatr Dev Pathol. 2017 Nov-Dec. PMID: 28590786 Passuello V et al. Pregnancy outcome in maternal Crigler-Najjar syndrome type II: a case report and systematic review of the literature. Fetal Diagn Ther. 2009 PMID: 19752526

Eurofins Ntd Llc (ga)
Classification: Uncertain significance. Last evaluated: 2015-12-18. Review status: criteria provided, single submitter. Criteria: EGL Classification Definitions 2015. Collection method: clinical testing. Allele origin: germline. Observed: 1 variant allele, 1 heterozygote.

Literature cited by the submitters: PubMed 28590786 (cited by Women's Health and Genetics/Laboratory Corporation of America, LabCorp and Labcorp Genetics (formerly Invitae), Labcorp); PubMed 19752526 (cited by Women's Health and Genetics/Laboratory Corporation of America, LabCorp and Labcorp Genetics (formerly Invitae), Labcorp).